The following is an entry in ClinVar:

NM_004646.4(NPHS1):c.2515dup (p.Gln839fs)

Gene: NPHS1 (NPHS1 adhesion molecule, nephrin; minus strand). Cytogenetic location: 19q13.12.
Variant type: Duplication.
Coding change: c.2515dup on transcript NM_004646.4 (MANE Select); coding-DNA position 2515, one base duplicated (C; older notation c.2515dupC).
Protein change: p.Gln839fs; shifts the reading frame from glutamine 839.
Molecular consequence: frameshift variant.
Genome position (GRCh38, 1-based): chr19:35,842,272, G duplicated on the plus strand (C on the coding strand, the reverse complement: NPHS1 is on the minus strand); the first of 6 consecutive G bases (chr19:35,842,272-35,842,277); duplicating any one gives the same sequence. VCF-style (leftmost placement, unchanged base first): chr19-35842271-T-TG. GRCh37 (hg19) VCF-style: chr19-36333173-T-TG.
Other names: short protein forms Q839fs.
Identifiers: ClinVar variation 3583678 (VCV003583678.2).

ClinVar aggregate classification (germline): Pathogenic/Likely pathogenic. Review status: criteria provided, multiple submitters, no conflicts (2 of 4 stars). 2 submissions from 2 submitters: Pathogenic (1); Likely pathogenic (1). Last evaluated 2024-01-24.

Conditions:
Finnish congenital nephrotic syndrome (NPHS1). Also called: NEPHROTIC SYNDROME, TYPE 1. Identifiers: Orphanet 839, MedGen C0403399, MONDO:0009732, OMIM 256300.

Submissions (2):

Fulgent Genetics
Classification: Likely pathogenic for Finnish congenital nephrotic syndrome. Last evaluated: 2024-01-24. Review status: criteria provided, single submitter. Criteria: ACMG Guidelines, 2015. Collection method: clinical testing. Allele origin: germline.

Myriad Genetics, Inc.
Classification: Pathogenic for Finnish congenital nephrotic syndrome. Last evaluated: 2024-01-11. Review status: criteria provided, single submitter. Criteria: Myriad Autosomal Dominant, Autosomal Recessive and X-Linked Classification Criteria (2023). Collection method: clinical testing. Allele origin: unknown.
Comment: NM_004646.3(NPHS1):c.2515dupC(Q839Pfs*10) is expected to be pathogenic in the context of nephrotic syndrome, NPHS1-related. This variant is predicted to lead to an abnormal or absent protein product due to the creation of a premature termination codon in NPHS1, a gene where loss-of-function variants are known to be pathogenic. Please note: this variant was assessed in the context of healthy population screening.